The following is an entry in ClinVar:

ClinVar aggregate classification (germline): Uncertain significance (1 of 4 stars; one submission).

Allele frequency attached by ClinVar (database versions not stated): TOPMed 0.00002; ExAC 0.00002; ESP Exome Variant Server 0.00008; gnomAD 0.00002.

Submission:

Labcorp Genetics (formerly Invitae), Labcorp
Classification: Uncertain significance. Last evaluated: 2025-06-27. Review status: criteria provided, single submitter. Criteria: Invitae Variant Classification Sherloc (09022015). Collection method: clinical testing. Allele origin: germline.
Comment: This sequence change replaces alanine, which is neutral and non-polar, with threonine, which is neutral and polar, at codon 482 of the C3 protein (p.Ala482Thr). This variant is present in population databases (rs149692538, gnomAD 0.01%). This variant has not been reported in the literature in individuals affected with C3-related conditions. ClinVar contains an entry for this variant (Variation ID: 2899018). An algorithm developed to predict the effect of missense changes on protein structure and function outputs the following: PolyPhen-2: "Benign". The threonine amino acid residue is found in multiple mammalian species, which suggests that this missense change does not adversely affect protein function. In summary, the available evidence is currently insufficient to determine the role of this variant in disease. Therefore, it has been classified as a Variant of Uncertain Significance.

NM_000064.4(C3):c.1444G>A (p.Ala482Thr)

Gene: C3 (complement C3; minus strand). Cytogenetic location: 19p13.3.
Variant type: single nucleotide variant.
Coding change: c.1444G>A on transcript NM_000064.4 (MANE Select); coding-DNA position 1444, G replaced by A.
Protein change: p.Ala482Thr; replaces alanine 482 with threonine.
Molecular consequence: missense variant.
Genome position (GRCh38, 1-based): chr19:6,711,022, C>T on the plus strand (G>A on the coding strand, the complement: C3 is on the minus strand). VCF-style: chr19-6711022-C-T. GRCh37 (hg19) VCF-style: chr19-6711033-C-T.
Other names: short protein forms A482T.
Identifiers: ClinVar variation 2899018 (VCV002899018.3), dbSNP rs149692538, ClinGen allele CA9129455.